The following is an entry in ClinVar:

ClinVar aggregate classification (germline): Uncertain significance (1 of 4 stars; one submission).

Conditions:
L-2-hydroxyglutaric aciduria (L2HGA). Identifiers: Orphanet 79314, MedGen C1855995, MONDO:0009370, OMIM 236792, HP:0040144.

Submission:

Labcorp Genetics (formerly Invitae), Labcorp
Classification: Uncertain significance for L-2-hydroxyglutaric aciduria. Last evaluated: 2022-10-13. Review status: criteria provided, single submitter. Criteria: Invitae Variant Classification Sherloc (09022015). Collection method: clinical testing. Allele origin: germline.
Comment: This variant has not been reported in the literature in individuals affected with L2HGDH-related conditions. Advanced modeling of protein sequence and biophysical properties (such as structural, functional, and spatial information, amino acid conservation, physicochemical variation, residue mobility, and thermodynamic stability) performed at Invitae indicates that this missense variant is not expected to disrupt L2HGDH protein function. In summary, the available evidence is currently insufficient to determine the role of this variant in disease. Therefore, it has been classified as a Variant of Uncertain Significance. This variant is not present in population databases (gnomAD no frequency). This sequence change replaces isoleucine, which is neutral and non-polar, with valine, which is neutral and non-polar, at codon 447 of the L2HGDH protein (p.Ile447Val).

NM_024884.3(L2HGDH):c.1339A>G (p.Ile447Val)

Gene: L2HGDH (L-2-hydroxyglutarate dehydrogenase; minus strand). Cytogenetic location: 14q21.3.
Variant type: single nucleotide variant.
Coding change: c.1339A>G on transcript NM_024884.3 (MANE Select); coding-DNA position 1339, A replaced by G.
Protein change: p.Ile447Val; replaces isoleucine 447 with valine.
Molecular consequence: missense variant.
Genome position (GRCh38, 1-based): chr14:50,247,111, T>C on the plus strand (A>G on the coding strand, the complement: L2HGDH is on the minus strand). VCF-style: chr14-50247111-T-C. GRCh37 (hg19) VCF-style: chr14-50713829-T-C.
Other names: short protein forms I447V.
Identifiers: ClinVar variation 2043871 (VCV002043871.4), dbSNP rs2503404731, ClinGen allele CA389647278.
Genomic context (GRCh38, chr14:50,247,111, plus strand): 5'-TCATTATTTATAATTCAAATCTTTGTTGTACTTCATCTGCAATCATTCCAGAAATTGCAA[T>C]GGAAGAAGTAGCAGCAGGAGAAGGTGCATTTCTCACATGAAGAATGCGATTTCCAATATC-3'
Protein context (NP_079160.1, residues 437-457): NAPSPAATSS[Ile447Val]AISGMIADEV